The following is an entry in ClinVar:

ClinVar aggregate classification (germline): Likely benign (1 of 4 stars; one submission).

gnomAD v4.1: 4 of 1,614,148 alleles (0.00025%); highest among the groups gnomAD compares: Non-Finnish European, 0.00034%; no homozygotes.

Submission:

CeGaT Center for Human Genetics Tuebingen
Classification: Likely benign. Last evaluated: 2025-10-01. Review status: criteria provided, single submitter. Criteria: CeGaT Center For Human Genetics Tuebingen Variant Classification Criteria Version 2. Collection method: clinical testing. Allele origin: germline. Affected: yes. Observed: 1 variant allele.
Comment: ERLIN2: BP4, BP7

NM_007175.8(ERLIN2):c.399T>G (p.Leu133=)

Gene: ERLIN2 (ER lipid raft associated 2; plus strand). Cytogenetic location: 8p11.23.
Variant type: single nucleotide variant.
Coding change: c.399T>G on transcript NM_007175.8 (MANE Select); coding-DNA position 399, T replaced by G.
Protein change: p.Leu133=; no amino-acid change (leucine 133 retained).
Molecular consequence: synonymous variant.
Genome position (GRCh38, 1-based): chr8:37,744,671, T>G. VCF-style: chr8-37744671-T-G. GRCh37 (hg19) VCF-style: chr8-37602189-T-G.
Other names: c.399T>G, p.Leu133= (NM_001003790.4, NM_001003791.3, NM_001362878.2 and 1 more transcripts).
Identifiers: ClinVar variation 4534897 (VCV004534897.6).